The following is an entry in ClinVar:

ClinVar aggregate classification (germline): Likely benign (0 of 4 stars; one submission).

Conditions:
NIPA2-related disorder. Also called: NIPA2-related condition.

Allele frequency attached by ClinVar (database versions not stated): gnomAD exomes 0.00004; ExAC 0.00019; gnomAD 0.00048; TOPMed 0.00066; ESP Exome Variant Server 0.00077; 1000 Genomes Project 30x 0.00109; 1000 Genomes Project 0.00140.
gnomAD v4.1: 136 of 1,599,852 alleles (0.0085%); highest among the groups gnomAD compares: African/African-American, 0.17%; 1 homozygote.

Submission:

PreventionGenetics, part of Exact Sciences
Classification: Likely benign for NIPA2-related condition. Last evaluated: 2019-05-01. Review status: no assertion criteria provided. Collection method: clinical testing. Allele origin: germline.
Comment: This variant is classified as likely benign based on ACMG/AMP sequence variant interpretation guidelines (Richards et al. 2015 PMID: 25741868, with internal and published modifications).

NM_030922.7(NIPA2):c.339A>G (p.Lys113=)

Gene: NIPA2 (NIPA magnesium transporter 2; plus strand). Cytogenetic location: 15q11.2.
Variant type: single nucleotide variant.
Coding change: c.339A>G on transcript NM_030922.7 (MANE Select); coding-DNA position 339, A replaced by G.
Protein change: p.Lys113=; no amino-acid change (lysine 113 retained).
Molecular consequence: synonymous variant.
Genome position (GRCh38, 1-based): chr15:22,860,680, A>G. VCF-style: chr15-22860680-A-G. GRCh37 (hg19) VCF-style: chr15-23012388-T-C.
Other names: c.339A>G, p.Lys113= (NM_001008860.3, NM_001008892.3, NM_001184889.2); c.282A>G, p.Lys94= (NM_001008894.3, NM_001184888.2).
Identifiers: ClinVar variation 3055976 (VCV003055976.2), dbSNP rs114406802, ClinGen allele CA7425835.